The following is an entry in ClinVar:

NM_005876.5(SPEG):c.3004C>T (p.Leu1002=)

Gene: SPEG (striated muscle enriched protein kinase; plus strand). Cytogenetic location: 2q35.
Variant type: single nucleotide variant.
Coding change: c.3004C>T on transcript NM_005876.5 (MANE Select); coding-DNA position 3004, C replaced by T.
Protein change: p.Leu1002=; no amino-acid change (leucine 1002 retained).
Molecular consequence: synonymous variant.
Genome position (GRCh38, 1-based): chr2:219,467,296, C>T. VCF-style: chr2-219467296-C-T. GRCh37 (hg19) VCF-style: chr2-220332018-C-T.
Identifiers: ClinVar variation 769589 (VCV000769589.13), dbSNP rs114572727, ClinGen allele CA2126043.

ClinVar aggregate classification (germline): Benign/Likely benign. Review status: criteria provided, multiple submitters, no conflicts (2 of 4 stars). 3 submissions from 3 submitters: Benign (1); Likely benign (1). 1 of the submissions does not count toward it. Last evaluated 2026-01-11.

Conditions:
SPEG-related disorder. Also called: SPEG-related condition.

Allele frequency attached by ClinVar (database versions not stated): gnomAD exomes 0.00024 and 0.00072; ExAC 0.00085; 1000 Genomes Project 0.00240; 1000 Genomes Project 30x 0.00281; gnomAD 0.00289 and 0.00304; TOPMed 0.00312.
gnomAD v4.1: 804 of 1,610,536 alleles (0.05%); highest among the groups gnomAD compares: African/African-American, 0.97%; 5 homozygotes.

Submissions (3):

Labcorp Genetics (formerly Invitae), Labcorp
Classification: Benign. Last evaluated: 2026-01-11. Review status: criteria provided, single submitter. Criteria: Invitae Variant Classification Sherloc (09022015). Collection method: clinical testing. Allele origin: germline.

Blueprint Genetics
Classification: Likely benign. Last evaluated: 2024-07-05. Review status: criteria provided, single submitter. Criteria: ACMG Guidelines, 2015. Collection method: clinical testing. Allele origin: germline.

PreventionGenetics, part of Exact Sciences
Classification: Benign for SPEG-related condition. Last evaluated: 2022-12-08. Review status: no assertion criteria provided. Collection method: clinical testing. Allele origin: germline. Not counted in ClinVar's aggregate classification.
Comment: This variant is classified as benign based on ACMG/AMP sequence variant interpretation guidelines (Richards et al. 2015 PMID: 25741868, with internal and published modifications).